The following is an entry in ClinVar:

NM_004456.5(EZH2):c.71T>C (p.Met24Thr)

Gene: EZH2 (enhancer of zeste 2 polycomb repressive complex 2 subunit; minus strand). Cytogenetic location: 7q36.1.
Variant type: single nucleotide variant.
Coding change: c.71T>C on transcript NM_004456.5 (MANE Select); coding-DNA position 71, T replaced by C.
Protein change: p.Met24Thr; replaces methionine 24 with threonine.
Molecular consequence: missense variant.
Genome position (GRCh38, 1-based): chr7:148,847,228, A>G on the plus strand (T>C on the coding strand, the complement: EZH2 is on the minus strand). VCF-style: chr7-148847228-A-G. GRCh37 (hg19) VCF-style: chr7-148544320-A-G.
Other names: c.71T>C, p.Met24Thr (NM_001203247.2, NM_001203248.2, NM_001203249.2 and 1 more transcripts); short protein forms M24T.
Identifiers: ClinVar variation 1409860 (VCV001409860.8), dbSNP rs2129485374, ClinGen allele CA369708488.

ClinVar aggregate classification (germline): Uncertain significance (1 of 4 stars; one submission).

Conditions:
Weaver syndrome (WVS). Also called: Weaver Smith syndrome; Overgrowth syndrome with accelerated skeletal maturation, unusual facies, and camptodactyly. Identifiers: Orphanet 3447, MedGen C0265210, MONDO:0010193, OMIM 277590.

Allele frequency attached by ClinVar (database versions not stated): gnomAD exomes below 0.00001.
gnomAD v4.1: 1 of 1,613,934 alleles (0.000062%); highest among the groups gnomAD compares: African/African-American, 0.0013%; no homozygotes.

Submission:

Labcorp Genetics (formerly Invitae), Labcorp
Classification: Uncertain significance for Weaver syndrome. Last evaluated: 2023-08-28. Review status: criteria provided, single submitter. Criteria: Invitae Variant Classification Sherloc (09022015). Collection method: clinical testing. Allele origin: germline.
Comment: This variant has not been reported in the literature in individuals affected with EZH2-related conditions. ClinVar contains an entry for this variant (Variation ID: 1409860). An algorithm developed to predict the effect of missense changes on protein structure and function (PolyPhen-2) suggests that this variant is likely to be tolerated. In summary, the available evidence is currently insufficient to determine the role of this variant in disease. Therefore, it has been classified as a Variant of Uncertain Significance. This sequence change replaces methionine, which is neutral and non-polar, with threonine, which is neutral and polar, at codon 24 of the EZH2 protein (p.Met24Thr). This variant is not present in population databases (gnomAD no frequency).